The following is an entry in ClinVar:

ClinVar aggregate classification (germline): Uncertain significance. Review status: criteria provided, multiple submitters, no conflicts (2 of 4 stars). 2 submissions from 2 submitters: Uncertain significance (2). Last evaluated 2023-11-22.

Allele frequency attached by ClinVar (database versions not stated): gnomAD 0.00001; ExAC 0.00013.
gnomAD v4.1: 63 of 1,360,064 alleles (0.0046%); highest among the groups gnomAD compares: Non-Finnish European, 0.0059%; no homozygotes.

Submissions (2):

GeneDx
Classification: Uncertain significance. Last evaluated: 2023-11-22. Review status: criteria provided, single submitter. Criteria: GeneDx Variant Classification Process June 2021. Collection method: clinical testing. Allele origin: germline. Affected: yes.
Comment: In silico analysis supports that this missense variant does not alter protein structure/function; Has not been previously published as pathogenic or benign to our knowledge

Labcorp Genetics (formerly Invitae), Labcorp
Classification: Uncertain significance. Last evaluated: 2022-09-01. Review status: criteria provided, single submitter. Criteria: Invitae Variant Classification Sherloc (09022015). Collection method: clinical testing. Allele origin: germline.
Comment: In summary, the available evidence is currently insufficient to determine the role of this variant in disease. Therefore, it has been classified as a Variant of Uncertain Significance. Algorithms developed to predict the effect of missense changes on protein structure and function output the following: SIFT: "Tolerated"; PolyPhen-2: "Not Available"; Align-GVGD: "Class C0". The threonine amino acid residue is found in multiple mammalian species, which suggests that this missense change does not adversely affect protein function. This variant has not been reported in the literature in individuals affected with STUB1-related conditions. The frequency data for this variant in the population databases is considered unreliable, as metrics indicate poor data quality at this position in the gnomAD database. This sequence change replaces alanine, which is neutral and non-polar, with threonine, which is neutral and polar, at codon 11 of the STUB1 protein (p.Ala11Thr).

NM_005861.4(STUB1):c.31G>A (p.Ala11Thr)

Gene: STUB1 (STIP1 homology and U-box containing protein 1; plus strand). Cytogenetic location: 16p13.3.
Variant type: single nucleotide variant.
Coding change: c.31G>A on transcript NM_005861.4 (MANE Select); coding-DNA position 31, G replaced by A.
Protein change: p.Ala11Thr; replaces alanine 11 with threonine.
Molecular consequence: missense variant. On other transcripts: 5 prime UTR variant (1).
Genome position (GRCh38, 1-based): chr16:680,556, G>A. VCF-style: chr16-680556-G-A. GRCh37 (hg19) VCF-style: chr16-730556-G-A.
Other names: c.31G>A (NM_005861.2); c.-275G>A (NM_001293197.2); short protein forms A11T.
Identifiers: ClinVar variation 1930042 (VCV001930042.6), dbSNP rs777501465, ClinGen allele CA7786508.